The following is an entry in ClinVar:

NM_004329.3(BMPR1A):c.758G>A (p.Trp253Ter)

Gene: BMPR1A (bone morphogenetic protein receptor type 1A; plus strand). Cytogenetic location: 10q23.2.
Variant type: single nucleotide variant.
Coding change: c.758G>A on transcript NM_004329.3 (MANE Select); coding-DNA position 758, G replaced by A.
Protein change: p.Trp253Ter; replaces tryptophan 253 with a stop codon.
Molecular consequence: nonsense. On other transcripts: non-coding transcript variant (3).
Genome position (GRCh38, 1-based): chr10:86,917,216, G>A. VCF-style: chr10-86917216-G-A. GRCh37 (hg19) VCF-style: chr10-88676973-G-A.
Other names: c.758G>A, p.Trp253Ter (NM_001406562.1, NM_001406563.1, NM_001406564.1 and 19 more transcripts); c.833G>A, p.Trp278Ter (NM_001406559.1); c.806G>A, p.Trp269Ter (NM_001406560.1); c.674G>A, p.Trp225Ter (NM_001406584.1, NM_001406585.1, NM_001406586.1 and 2 more transcripts); c.416G>A, p.Trp139Ter (NM_001406589.1); c.752G>A, p.Trp251Ter (NM_001406583.1); short protein forms W139*, W225*, W251*, W253*, W269*, W278*.
Identifiers: ClinVar variation 3256688 (VCV003256688.1).

ClinVar aggregate classification (germline): Pathogenic (1 of 4 stars; one submission).

Conditions:
Juvenile polyposis syndrome (JPS). Identifiers: Orphanet 2929, MedGen C0345893, MONDO:0017380, OMIM 174900.

Submission:

MVZ Medizinische Genetik Mainz
Classification: Pathogenic for Juvenile polyposis syndrome. Last evaluated: 2024-05-07. Review status: criteria provided, single submitter. Criteria: UK Practice Guidelines For Variant Classification V4 01 2020. Collection method: clinical testing. Allele origin: germline. Inheritance: Autosomal dominant inheritance. Affected: yes. Observed: 1 variant allele.
Comment: ACMG Criteria: PVS1,PM2_SUP_MOD